The following is an entry in ClinVar:

ClinVar aggregate classification (germline): Likely benign (0 of 4 stars; one submission).

Conditions:
THBS1-related disorder. Also called: THBS1-related condition.

Allele frequency attached by ClinVar (database versions not stated): TOPMed below 0.00001; gnomAD 0.00001; ExAC 0.00002; gnomAD exomes 0.00002; 1000 Genomes Project 0.00020; 1000 Genomes Project 30x 0.00031.

Submission:

PreventionGenetics, part of Exact Sciences
Classification: Likely benign for THBS1-related condition. Last evaluated: 2019-10-28. Review status: no assertion criteria provided. Collection method: clinical testing. Allele origin: germline.
Comment: This variant is classified as likely benign based on ACMG/AMP sequence variant interpretation guidelines (Richards et al. 2015 PMID: 25741868, with internal and published modifications).

NM_003246.4(THBS1):c.810C>T (p.Cys270=)

Gene: THBS1 (thrombospondin 1; plus strand). Cytogenetic location: 15q14.
Variant type: single nucleotide variant.
Coding change: c.810C>T on transcript NM_003246.4 (MANE Select); coding-DNA position 810, C replaced by T.
Protein change: p.Cys270=; no amino-acid change (cysteine 270 retained).
Molecular consequence: synonymous variant.
Genome position (GRCh38, 1-based): chr15:39,584,094, C>T. VCF-style: chr15-39584094-C-T. GRCh37 (hg19) VCF-style: chr15-39876295-C-T.
Identifiers: ClinVar variation 3045699 (VCV003045699.2), dbSNP rs554987285, ClinGen allele CA7471741.